The following is an entry in ClinVar:

ClinVar aggregate classification (germline): Uncertain significance (1 of 4 stars; one submission).

Allele frequency attached by ClinVar (database versions not stated): ExAC 0.00013; TOPMed 0.00015; gnomAD 0.00017; ESP Exome Variant Server 0.00022.
gnomAD v4.1: 240 of 1,551,844 alleles (0.015%); highest among the groups gnomAD compares: Non-Finnish European, 0.02%; 1 homozygote.

Submission:

Labcorp Genetics (formerly Invitae), Labcorp
Classification: Uncertain significance. Last evaluated: 2022-09-20. Review status: criteria provided, single submitter. Criteria: Invitae Variant Classification Sherloc (09022015). Collection method: clinical testing. Allele origin: germline.
Comment: This sequence change replaces tyrosine, which is neutral and polar, with histidine, which is basic and polar, at codon 1964 of the TET2 protein (p.Tyr1964His). This variant is present in population databases (rs370470545, gnomAD 0.02%). This variant has not been reported in the literature in individuals affected with TET2-related conditions. Algorithms developed to predict the effect of missense changes on protein structure and function are either unavailable or do not agree on the potential impact of this missense change (SIFT: "Tolerated"; PolyPhen-2: "Probably Damaging"; Align-GVGD: "Class C0"). In summary, the available evidence is currently insufficient to determine the role of this variant in disease. Therefore, it has been classified as a Variant of Uncertain Significance.

NM_001127208.3(TET2):c.5890T>C (p.Tyr1964His)

Genes: TET2 (tet methylcytosine dioxygenase 2; plus strand), TET2-AS1 (TET2 antisense RNA 1; minus strand). Cytogenetic location: 4q24.
Variant type: single nucleotide variant.
Coding change: c.5890T>C on transcript NM_001127208.3 (MANE Select); coding-DNA position 5890, T replaced by C.
Protein change: p.Tyr1964His; replaces tyrosine 1964 with histidine.
Molecular consequence: missense variant.
Genome position (GRCh38, 1-based): chr4:105,276,400, T>C. VCF-style: chr4-105276400-T-C. GRCh37 (hg19) VCF-style: chr4-106197557-T-C.
Other names: short protein forms Y1964H.
Identifiers: ClinVar variation 2057808 (VCV002057808.1), dbSNP rs370470545, ClinGen allele CA3032298.
Genomic context (GRCh38, chr4:105,276,400, plus strand): 5'-TCCCATGGCAAAAAAGTGAAACGGGAGCCTGCTGAGCCACATGAAACTTCAGAGCCCACT[T>C]ACCTGCGTTTCATCAAGTCTCTTGCCGAAAGGACCATGTCCGTGACCACAGACTCCACAG-3'
Protein context (NP_001120680.1, residues 1954-1974): AEPHETSEPT[Tyr1964His]LRFIKSLAER